The following is an entry in ClinVar:

ClinVar aggregate classification (germline): Uncertain significance. Review status: criteria provided, multiple submitters, no conflicts (2 of 4 stars). 3 submissions from 3 submitters: Uncertain significance (3). Last evaluated 2025-04-03.

Conditions:
Inborn genetic diseases. Identifiers: MedGen C0950123, MeSH D030342.
Nephronophthisis 9 (NPHP9). Identifiers: Orphanet 655, MedGen C3151188, MONDO:0013444, OMIM 613824.
Renal-hepatic-pancreatic dysplasia 2 (RHPD2). Identifiers: MedGen C3809434, MONDO:0014174, OMIM 615415.
Polycystic kidney disease 8. Identifiers: MedGen C5935640, MONDO:0971178, OMIM 620903.

gnomAD v4.1: 51 of 1,613,702 alleles (0.0032%); highest among the groups gnomAD compares: South Asian, 0.038%; 1 homozygote.

Submissions (3):

Ambry Genetics
Classification: Uncertain significance for Inborn genetic diseases. Last evaluated: 2025-04-03. Review status: criteria provided, single submitter. Criteria: Ambry Variant Classification Scheme 2023. Collection method: clinical testing. Allele origin: germline.

Labcorp Genetics (formerly Invitae), Labcorp
Classification: Uncertain significance for Nephronophthisis 9. Last evaluated: 2024-04-07. Review status: criteria provided, single submitter. Criteria: Invitae Variant Classification Sherloc (09022015). Collection method: clinical testing. Allele origin: germline.
Comment: This sequence change replaces arginine, which is basic and polar, with cysteine, which is neutral and slightly polar, at codon 140 of the NEK8 protein (p.Arg140Cys). This variant is present in population databases (rs757554273, gnomAD 0.02%). This variant has not been reported in the literature in individuals affected with NEK8-related conditions. An algorithm developed to predict the effect of missense changes on protein structure and function (PolyPhen-2) suggests that this variant¬†is likely to be tolerated. In summary, the available evidence is currently insufficient to determine the role of this variant in disease. Therefore, it has been classified as a Variant of Uncertain Significance.

Fulgent Genetics
Classification: Uncertain significance for Nephronophthisis 9; Renal-hepatic-pancreatic dysplasia 2; Polycystic kidney disease 8. Last evaluated: 2024-02-26. Review status: criteria provided, single submitter. Criteria: ACMG Guidelines, 2015. Collection method: clinical testing. Allele origin: germline.

NM_178170.3(NEK8):c.418C>T (p.Arg140Cys)

Gene: NEK8 (NIMA related kinase 8; plus strand). Cytogenetic location: 17q11.2.
Variant type: single nucleotide variant.
Coding change: c.418C>T on transcript NM_178170.3 (MANE Select); coding-DNA position 418, C replaced by T.
Protein change: p.Arg140Cys; replaces arginine 140 with cysteine.
Molecular consequence: missense variant.
Genome position (GRCh38, 1-based): chr17:28,734,936, C>T. VCF-style: chr17-28734936-C-T. GRCh37 (hg19) VCF-style: chr17-27061954-C-T.
Other names: c.418C>T (NM_178170.2); short protein forms R140C.
Identifiers: ClinVar variation 3581748 (VCV003581748.3).